The following is an entry in ClinVar:

NM_006371.5(CRTAP):c.436G>A (p.Glu146Lys)

Gene: CRTAP (cartilage associated protein; plus strand). Cytogenetic location: 3p22.3.
Variant type: single nucleotide variant.
Coding change: c.436G>A on transcript NM_006371.5 (MANE Select); coding-DNA position 436, G replaced by A.
Protein change: p.Glu146Lys; replaces glutamic acid 146 with lysine.
Molecular consequence: missense variant.
Genome position (GRCh38, 1-based): chr3:33,114,513, G>A. VCF-style: chr3-33114513-G-A. GRCh37 (hg19) VCF-style: chr3-33156005-G-A.
Other names: c.436G>A, p.Glu146Lys (NM_001393363.1, NM_001393364.1, NM_001393365.1); short protein forms E146K.
Identifiers: ClinVar variation 2126264 (VCV002126264.4), dbSNP rs2471562154, ClinGen allele CA352008844.

ClinVar aggregate classification (germline): Uncertain significance (1 of 4 stars; one submission).

Conditions:
Osteogenesis imperfecta type 7 (OI7). Also called: OSTEOGENESIS IMPERFECTA, TYPE IIB; Osteogenesis imperfecta type 2B; OI type 2B; Osteogenesis imperfecta, perinatal lethal autosomal recessive; OI type IIB; OI type 7. Identifiers: MedGen C1853162, MONDO:0012536, OMIM 610682.

Allele frequency attached by ClinVar (database versions not stated): gnomAD exomes 0.00001.
gnomAD v4.1: 4 of 1,603,926 alleles (0.00025%); highest among the groups gnomAD compares: East Asian, 0.0022%; no homozygotes.

Submission:

Labcorp Genetics (formerly Invitae), Labcorp
Classification: Uncertain significance for Osteogenesis imperfecta type 7. Last evaluated: 2022-04-15. Review status: criteria provided, single submitter. Criteria: Invitae Variant Classification Sherloc (09022015). Collection method: clinical testing. Allele origin: germline.
Comment: In summary, the available evidence is currently insufficient to determine the role of this variant in disease. Therefore, it has been classified as a Variant of Uncertain Significance. Algorithms developed to predict the effect of missense changes on protein structure and function (SIFT, PolyPhen-2, Align-GVGD) all suggest that this variant is likely to be tolerated. This variant has not been reported in the literature in individuals affected with CRTAP-related conditions. This variant is not present in population databases (gnomAD no frequency). This sequence change replaces glutamic acid, which is acidic and polar, with lysine, which is basic and polar, at codon 146 of the CRTAP protein (p.Glu146Lys).